The following is an entry in ClinVar:

NM_003239.5(TGFB3):c.529G>A (p.Asp177Asn)

Gene: TGFB3 (transforming growth factor beta 3; minus strand). Cytogenetic location: 14q24.3.
Variant type: single nucleotide variant.
Coding change: c.529G>A on transcript NM_003239.5 (MANE Select); coding-DNA position 529, G replaced by A.
Protein change: p.Asp177Asn; replaces aspartic acid 177 with asparagine.
Molecular consequence: missense variant.
Genome position (GRCh38, 1-based): chr14:75,971,243, C>T on the plus strand (G>A on the coding strand, the complement: TGFB3 is on the minus strand). VCF-style: chr14-75971243-C-T. GRCh37 (hg19) VCF-style: chr14-76437586-C-T.
Other names: c.529G>A, p.Asp177Asn (NM_001329938.2, NM_001329939.2); c.529G>A (NM_003239.2); short protein forms D177N.
Identifiers: ClinVar variation 1062722 (VCV001062722.8), dbSNP rs755611135, ClinGen allele CA7280408.

ClinVar aggregate classification (germline): Uncertain significance. Review status: criteria provided, multiple submitters, no conflicts (2 of 4 stars). 2 submissions from 2 submitters: Uncertain significance (2). Last evaluated 2025-06-07.

Conditions:
Rienhoff syndrome. Also called: LOEYS-DIETZ SYNDROME 5. Identifiers: MedGen C3810012, MONDO:0014262, OMIM 615582.
Familial thoracic aortic aneurysm and aortic dissection (TAAD). Also called: Thoracic aortic aneurysms and dissections. Identifiers: Orphanet 91387, MedGen C4707243, MONDO:0019625.

Allele frequency attached by ClinVar (database versions not stated): gnomAD 0.00001; gnomAD exomes 0.00001 and 0.00002; ExAC 0.00004.

Submissions (2):

Ambry Genetics
Classification: Uncertain significance for Familial thoracic aortic aneurysm and aortic dissection. Last evaluated: 2025-06-07. Review status: criteria provided, single submitter. Criteria: Ambry Variant Classification Scheme 2023. Collection method: clinical testing. Allele origin: germline.

Labcorp Genetics (formerly Invitae), Labcorp
Classification: Uncertain significance for Rienhoff syndrome. Last evaluated: 2021-01-29. Review status: criteria provided, single submitter. Criteria: Invitae Variant Classification Sherloc (09022015). Collection method: clinical testing. Allele origin: germline.
Comment: This variant is present in population databases (rs755611135, ExAC 0.03%). In summary, the available evidence is currently insufficient to determine the role of this variant in disease. Therefore, it has been classified as a Variant of Uncertain Significance. Algorithms developed to predict the effect of missense changes on protein structure and function (SIFT, PolyPhen-2, Align-GVGD) all suggest that this variant is likely to be tolerated, but these predictions have not been confirmed by published functional studies and their clinical significance is uncertain. This variant has not been reported in the literature in individuals with TGFB3-related conditions. This sequence change replaces aspartic acid with asparagine at codon 177 of the TGFB3 protein (p.Asp177Asn). The aspartic acid residue is highly conserved and there is a small physicochemical difference between aspartic acid and asparagine.